The following is an entry in ClinVar:

NM_004725.4(BUB3):c.854G>A (p.Ser285Asn)

Gene: BUB3 (BUB3 mitotic checkpoint protein; plus strand). Cytogenetic location: 10q26.13.
Variant type: single nucleotide variant.
Coding change: c.854G>A on transcript NM_004725.4 (MANE Select); coding-DNA position 854, G replaced by A.
Protein change: p.Ser285Asn; replaces serine 285 with asparagine.
Molecular consequence: missense variant.
Genome position (GRCh38, 1-based): chr10:123,162,711, G>A. VCF-style: chr10-123162711-G-A. GRCh37 (hg19) VCF-style: chr10-124922227-G-A.
Other names: c.854G>A, p.Ser285Asn (NM_001007793.3); short protein forms S285N.
Identifiers: ClinVar variation 3224523 (VCV003224523.1), dbSNP rs2493767036, ClinGen allele CA378627061.
Genomic context (GRCh38, chr10:123,162,711, plus strand): 5'-ACAAAAAGCGACTGTGCCAATTCCATCGGTACCCCACGAGCATCGCATCACTTGCCTTCA[G>A]TAATGATGGGACTACGCTTGCAATAGCGTCATCATATATGTATGAAATGGATGACACAGA-3'
Protein context (NP_004716.1, residues 275-295): YPTSIASLAF[Ser285Asn]NDGTTLAIAS

ClinVar aggregate classification (germline): Uncertain significance (1 of 4 stars; one submission).

Submission:

Ambry Genetics
Classification: Uncertain significance. Last evaluated: 2022-12-26. Review status: criteria provided, single submitter. Criteria: Ambry Variant Classification Scheme 2023. Collection method: clinical testing. Allele origin: germline.
Comment: The p.S285N variant (also known as c.854G>A), located in coding exon 6 of the BUB3 gene, results from a G to A substitution at nucleotide position 854. The serine at codon 285 is replaced by asparagine, an amino acid with highly similar properties. This amino acid position is conserved. In addition, this alteration is predicted to be tolerated by in silico analysis. Since supporting evidence is limited at this time, the clinical significance of this alteration remains unclear.